The following is an entry in ClinVar:

ClinVar aggregate classification (germline): Uncertain significance (1 of 4 stars; one submission).

Submission:

Labcorp Genetics (formerly Invitae), Labcorp
Classification: Uncertain significance. Last evaluated: 2024-08-27. Review status: criteria provided, single submitter. Criteria: Invitae Variant Classification Sherloc (09022015). Collection method: clinical testing. Allele origin: germline.
Comment: This sequence change replaces aspartic acid, which is acidic and polar, with asparagine, which is neutral and polar, at codon 274 of the PACS2 protein (p.Asp274Asn). This variant is not present in population databases (gnomAD no frequency). This variant has not been reported in the literature in individuals affected with PACS2-related conditions. An algorithm developed to predict the effect of missense changes on protein structure and function (PolyPhen-2) suggests that this variant is likely to be disruptive. In summary, the available evidence is currently insufficient to determine the role of this variant in disease. Therefore, it has been classified as a Variant of Uncertain Significance.

NM_001100913.3(PACS2):c.820G>A (p.Asp274Asn)

Gene: PACS2 (phosphofurin acidic cluster sorting protein 2; plus strand). Cytogenetic location: 14q32.33.
Variant type: single nucleotide variant.
Coding change: c.820G>A on transcript NM_001100913.3 (MANE Select); coding-DNA position 820, G replaced by A.
Protein change: p.Asp274Asn; replaces aspartic acid 274 with asparagine.
Molecular consequence: missense variant.
Genome position (GRCh38, 1-based): chr14:105,376,786, G>A. VCF-style: chr14-105376786-G-A. GRCh37 (hg19) VCF-style: chr14-105843123-G-A.
Other names: c.595G>A, p.Asp199Asn (NM_001243127.3); c.820G>A, p.Asp274Asn (NM_015197.4); short protein forms D199N, D274N.
Identifiers: ClinVar variation 3663534 (VCV003663534.2).